The following is an entry in ClinVar:

NM_000135.4(FANCA):c.782A>T (p.Lys261Ile)

Gene: FANCA (FA complementation group A; minus strand). Cytogenetic location: 16q24.3.
Variant type: single nucleotide variant.
Coding change: c.782A>T on transcript NM_000135.4 (MANE Select); coding-DNA position 782, A replaced by T.
Protein change: p.Lys261Ile; replaces lysine 261 with isoleucine.
Molecular consequence: missense variant.
Genome position (GRCh38, 1-based): chr16:89,803,269, T>A on the plus strand (A>T on the coding strand, the complement: FANCA is on the minus strand). VCF-style: chr16-89803269-T-A. GRCh37 (hg19) VCF-style: chr16-89869677-T-A.
Other names: c.782A>T, p.Lys261Ile (NM_001018112.3, NM_001286167.3); c.686A>T, p.Lys229Ile (NM_001351830.2); short protein forms K229I, K261I.
Identifiers: ClinVar variation 4870879 (VCV004870879.1).

ClinVar aggregate classification (germline): Uncertain significance (1 of 4 stars; one submission).

Conditions:
Inborn genetic diseases. Identifiers: MedGen C0950123, MeSH D030342.

Submission:

Ambry Genetics
Classification: Uncertain significance for Inborn genetic diseases. Last evaluated: 2026-05-18. Review status: criteria provided, single submitter. Criteria: Ambry Variant Classification Scheme 2023. Collection method: clinical testing. Allele origin: germline.
Comment: The p.K261I variant (also known as c.782A>T), located in coding exon 8 of the FANCA gene, results from an A to T substitution at nucleotide position 782. The lysine at codon 261 is replaced by isoleucine, an amino acid with dissimilar properties. This amino acid position is conserved. In addition, this alteration is predicted to be tolerated by in silico analysis. Based on the available evidence, the clinical significance of this variant remains unclear.